The following is an entry in ClinVar:

ClinVar aggregate classification (germline): Uncertain significance (1 of 4 stars; one submission).

Submission:

GeneDx
Classification: Uncertain significance. Last evaluated: 2024-02-28. Review status: criteria provided, single submitter. Criteria: GeneDx Variant Classification Process June 2021. Collection method: clinical testing. Allele origin: germline. Affected: yes.
Comment: Not observed at significant frequency in large population cohorts (gnomAD); In silico analysis supports that this missense variant has a deleterious effect on protein structure/function; Has not been previously published as pathogenic or benign to our knowledge

NM_001429.4(EP300):c.4472C>T (p.Thr1491Ile)

Gene: EP300 (E1A binding protein p300; plus strand). Cytogenetic location: 22q13.2.
Variant type: single nucleotide variant.
Coding change: c.4472C>T on transcript NM_001429.4 (MANE Select); coding-DNA position 4472, C replaced by T.
Protein change: p.Thr1491Ile; replaces threonine 1491 with isoleucine.
Molecular consequence: missense variant.
Genome position (GRCh38, 1-based): chr22:41,172,518, C>T. VCF-style: chr22-41172518-C-T. GRCh37 (hg19) VCF-style: chr22-41568522-C-T.
Other names: c.4394C>T, p.Thr1465Ile (NM_001362843.2); short protein forms T1465I, T1491I.
Identifiers: ClinVar variation 3373489 (VCV003373489.1).